The following is an entry in ClinVar:

NM_002693.3(POLG):c.162G>A (p.Gln54=)

Genes: POLG (DNA polymerase gamma, catalytic subunit; minus strand), POLGARF (POLG alternative reading frame; minus strand). Cytogenetic location: 15q26.1.
Variant type: single nucleotide variant.
Coding change: c.162G>A on transcript NM_002693.3 (MANE Select); coding-DNA position 162, G replaced by A.
Protein change: p.Gln54=; no amino-acid change (glutamine 54 retained).
Molecular consequence: synonymous variant.
Genome position (GRCh38, 1-based): chr15:89,333,593, C>T on the plus strand (G>A on the coding strand, the complement: POLG is on the minus strand). VCF-style: chr15-89333593-C-T. GRCh37 (hg19) VCF-style: chr15-89876824-C-T.
Other names: p.Q54Q:CAG>CAA; NM_002693.2(POLG):c.162G>A; p.Gln54=; c.162G>A, p.Gln54= (NM_001126131.2).
Identifiers: ClinVar variation 206487 (VCV000206487.10), dbSNP rs796052878, ClinGen allele CA316626.

ClinVar aggregate classification (germline): Uncertain significance. Review status: reviewed by expert panel (3 of 4 stars). 3 submissions from 3 submitters: Uncertain significance (1). 2 of the submissions do not count toward it. Last evaluated 2021-05-23.

Conditions:
Mitochondrial disease. Also called: Mitochondrial disorder; Mitochondrial disorders. Identifiers: Orphanet 68380, MedGen C0751651, MeSH D028361, MONDO:0044970.
Progressive sclerosing poliodystrophy (MTDPS4A). Also called: Alpers Syndrome; ALPERS DIFFUSE DEGENERATION OF CEREBRAL GRAY MATTER WITH HEPATIC CIRRHOSIS; Mitochondrial DNA depletion syndrome 4A (Alpers type); Alpers-Huttenlocher Syndrome (AHS); ALPERS PROGRESSIVE INFANTILE POLIODYSTROPHY; Mitochondrial DNA Depletion Syndrome 4A. Identifiers: Orphanet 726, MedGen C0205710, MONDO:0008758, OMIM 203700.

Allele frequency attached by ClinVar (database versions not stated): gnomAD exomes below 0.00001 and 0.00001; ExAC 0.00001; gnomAD 0.00001.
gnomAD v4.1: 4 of 1,602,938 alleles (0.00025%); highest among the groups gnomAD compares: Admixed American, 0.0034%; no homozygotes.

Submissions (3):

ClinGen Mitochondrial Disease Nuclear and Mitochondrial  Variant Curation Expert Panel, ClinGen
Classification: Uncertain significance for Mitochondrial disease. Last evaluated: 2021-05-23. Review status: reviewed by expert panel. Criteria: clingen mito disease acmg specifications v1-1. Collection method: curation. Allele origin: germline. Inheritance: Autosomal recessive inheritance.
Comment: The c.162 G>A (p.Gln54=) variant in POLG has been reported with an allele frequency in the population at 0.001% in gnomAD and not seen in any homozygotes (PM2). This variant is an synonymous change which is predicted to have no impact on the protein (BP7). This variant is not reported in the literature and no computational data is available. In summary given the limited evidence this variant meets criteria to be classified as uncertain significance for primary mitochondrial disease inherited in a recessive manner. ntDNA Mitochondrial ACMG-AMP Criteria for POLG applied: PM2, BP7

Labcorp Genetics (formerly Invitae), Labcorp
Classification: Likely benign for Progressive sclerosing poliodystrophy. Last evaluated: 2024-01-10. Review status: criteria provided, single submitter. Criteria: Invitae Variant Classification Sherloc (09022015). Collection method: clinical testing. Allele origin: germline. Not counted in ClinVar's aggregate classification.

GeneDx
Classification: Benign. Last evaluated: 2014-07-02. Review status: criteria provided, single submitter. Criteria: GeneDx Variant Classification (06012015). Collection method: clinical testing. Allele origin: germline. Affected: yes. Not counted in ClinVar's aggregate classification.
Comment: This variant is considered likely benign or benign based on one or more of the following criteria: it is a conservative change, it occurs at a poorly conserved position in the protein, it is predicted to be benign by multiple in silico algorithms, and/or has population frequency not consistent with disease.